The following is an entry in ClinVar:

NM_000051.4(ATM):c.9085G>A (p.Gly3029Ser)

Genes: ATM (ATM serine/threonine kinase; plus strand), C11orf65 (chromosome 11 open reading frame 65; minus strand). Cytogenetic location: 11q22.3.
Variant type: single nucleotide variant.
Coding change: c.9085G>A on transcript NM_000051.4 (MANE Select); coding-DNA position 9085, G replaced by A.
Protein change: p.Gly3029Ser; replaces glycine 3029 with serine.
Molecular consequence: missense variant. On other transcripts: intron variant (2).
Genome position (GRCh38, 1-based): chr11:108,365,422, G>A. VCF-style: chr11-108365422-G-A. GRCh37 (hg19) VCF-style: chr11-108236149-G-A.
Other names: c.9085G>A, p.Gly3029Ser (NM_001351834.2); c.640+20498C>T (NM_001330368.2); c.694+20498C>T (NM_001351110.2); short protein forms G3029S.
Identifiers: ClinVar variation 3453010 (VCV003453010.1).

ClinVar aggregate classification (germline): Uncertain significance (1 of 4 stars; one submission).

Conditions:
Hereditary cancer-predisposing syndrome. Also called: Tumor predisposition; Hereditary Cancer Syndrome; Neoplastic Syndromes, Hereditary; Hereditary neoplastic syndrome. Identifiers: Orphanet 140162, MedGen C0027672, MeSH D009386, MONDO:0015356.

Submission:

Ambry Genetics
Classification: Uncertain significance for Hereditary cancer-predisposing syndrome. Last evaluated: 2024-12-02. Review status: criteria provided, single submitter. Criteria: Ambry Variant Classification Scheme 2023. Collection method: clinical testing. Allele origin: germline.
Comment: The p.G3029S variant (also known as c.9085G>A), located in coding exon 62 of the ATM gene, results from a G to A substitution at nucleotide position 9085. The glycine at codon 3029 is replaced by serine, an amino acid with similar properties. This amino acid position is conserved. In addition, this alteration is predicted to be tolerated by in silico analysis. Based on the available evidence, the clinical significance of this variant remains unclear.